The following is an entry in ClinVar:

NM_001042492.3(NF1):c.4486C>T (p.Leu1496Phe)

Gene: NF1 (neurofibromin 1; plus strand). Cytogenetic location: 17q11.2.
Variant type: single nucleotide variant.
Coding change: c.4486C>T on transcript NM_001042492.3 (MANE Select); coding-DNA position 4486, C replaced by T.
Protein change: p.Leu1496Phe; replaces leucine 1496 with phenylalanine.
Molecular consequence: missense variant.
Genome position (GRCh38, 1-based): chr17:31,260,424, C>T. VCF-style: chr17-31260424-C-T. GRCh37 (hg19) VCF-style: chr17-29587442-C-T.
Other names: c.4423C>T, p.Leu1475Phe (NM_000267.4); short protein forms L1475F, L1496F.
Identifiers: ClinVar variation 480096 (VCV000480096.10), dbSNP rs1555618823, ClinGen allele CA398999428.

ClinVar aggregate classification (germline): Uncertain significance. Review status: criteria provided, multiple submitters, no conflicts (2 of 4 stars). 4 submissions from 3 submitters: Uncertain significance (4). Last evaluated 2022-03-15.

Conditions:
Cardiovascular phenotype. Identifiers: MedGen CN230736.
Hereditary cancer-predisposing syndrome. Also called: Hereditary neoplastic syndrome; Neoplastic Syndromes, Hereditary; Tumor predisposition; Hereditary Cancer Syndrome. Identifiers: Orphanet 140162, MedGen C0027672, MeSH D009386, MONDO:0015356.
Neurofibromatosis, type 1 (NF1). Also called: VON RECKLINGHAUSEN DISEASE; Peripheral type neurofibromatosis; NEUROFIBROMATOSIS, TYPE I, SOMATIC; Neurofibromatosis, type I. Identifiers: Orphanet 636, MedGen C0027831, MONDO:0018975, OMIM 162200. Disease mechanism: loss of function.

Allele frequency attached by ClinVar (database versions not stated): gnomAD exomes below 0.00001.
gnomAD v4.1: 2 of 1,613,994 alleles (0.00012%); highest among the groups gnomAD compares: Non-Finnish European, 0.000085%; no homozygotes.

Submissions (4):

Genome-Nilou Lab
Classification: Uncertain significance for Neurofibromatosis, type 1. Last evaluated: 2022-03-15. Review status: criteria provided, single submitter. Criteria: ACMG Guidelines, 2015. Collection method: clinical testing. Allele origin: germline. Affected: no.

Labcorp Genetics (formerly Invitae), Labcorp
Classification: Uncertain significance for Neurofibromatosis, type 1. Last evaluated: 2020-06-16. Review status: criteria provided, single submitter. Criteria: Invitae Variant Classification Sherloc (09022015). Collection method: clinical testing. Allele origin: germline.
Comment: This sequence change replaces leucine with phenylalanine at codon 1475 of the NF1 protein (p.Leu1475Phe). The leucine residue is moderately conserved and there is a small physicochemical difference between leucine and phenylalanine. This variant is not present in population databases (ExAC no frequency). This variant has not been reported in the literature in individuals with NF1-related conditions. ClinVar contains an entry for this variant (Variation ID: 480096). Algorithms developed to predict the effect of missense changes on protein structure and function are either unavailable or do not agree on the potential impact of this missense change (SIFT: "Tolerated"; PolyPhen-2: "Probably Damaging"; Align-GVGD: "Class C0"). In summary, the available evidence is currently insufficient to determine the role of this variant in disease. Therefore, it has been classified as a Variant of Uncertain Significance.

Ambry Genetics
Classification: Uncertain significance for Cardiovascular phenotype; Hereditary cancer-predisposing syndrome. Last evaluated: 2019-05-09. Review status: criteria provided, single submitter. Criteria: Ambry Variant Classification Scheme 2023. Collection method: clinical testing. Allele origin: germline.

Ambry Genetics
Classification: Uncertain significance for Hereditary cancer-predisposing syndrome. Last evaluated: 2016-02-26. Review status: criteria provided, single submitter. Criteria: Ambry Autosomal Dominant and X-Linked criteria (10/2015). Collection method: clinical testing. Allele origin: germline. Observed: 1 variant allele.
Comment: The p.L1496F variant (also known as c.4486C>T), located in coding exon 34 of the NF1 gene, results from a C to T substitution at nucleotide position 4486. The leucine at codon 1496 is replaced by phenylalanine, an amino acid with highly similar properties. This variant was not reported in population based cohorts in the following databases: Database of Single Nucleotide Polymorphisms (dbSNP), NHLBI Exome Sequencing Project (ESP), and 1000 Genomes Project. In the ESP, this variant was not observed in 6503 samples (13006 alleles) with coverage at this position.To date, this alteration has been detected with an allele frequency of approximately 0.001% (greater than 110000alleles tested) in our clinical cohort. This amino acid position is highly conserved in available vertebrate species. In addition, the in silico prediction for this alteration is inconclusive.Since supporting evidence is limited at this time, the clinical significance of this alterationremains unclear.